The following is an entry in ClinVar:

ClinVar aggregate classification (germline): Likely benign (1 of 4 stars; one submission).

Allele frequency attached by ClinVar (database versions not stated): 1000 Genomes Project 30x 0.00047; 1000 Genomes Project 0.00060; ESP Exome Variant Server 0.00515.
gnomAD v4.1: 8,320 of 1,613,782 alleles (0.52%); highest among the groups gnomAD compares: Non-Finnish European, 0.65%; 32 homozygotes.

Submission:

CeGaT Center for Human Genetics Tuebingen
Classification: Likely benign. Last evaluated: 2023-09-01. Review status: criteria provided, single submitter. Criteria: CeGaT Center For Human Genetics Tuebingen Variant Classification Criteria Version 2. Collection method: clinical testing. Allele origin: germline. Affected: yes. Observed: 1 variant allele.
Comment: MUC17: BP4, BS2

NM_001040105.2(MUC17):c.841C>A (p.Pro281Thr)

Gene: MUC17 (mucin 17, cell surface associated; plus strand). Cytogenetic location: 7q22.1.
Variant type: single nucleotide variant.
Coding change: c.841C>A on transcript NM_001040105.2 (MANE Select); coding-DNA position 841, C replaced by A.
Protein change: p.Pro281Thr; replaces proline 281 with threonine.
Molecular consequence: missense variant. On other transcripts: non-coding transcript variant (1).
Genome position (GRCh38, 1-based): chr7:101,032,257, C>A. VCF-style: chr7-101032257-C-A. GRCh37 (hg19) VCF-style: chr7-100675538-C-A.
Other names: short protein forms P281T.
Identifiers: ClinVar variation 2657834 (VCV002657834.24), dbSNP rs150719489, ClinGen allele CA4400923.
Genomic context (GRCh38, chr7:101,032,257, plus strand): 5'-GAAGGTCCCAGCCTGTCAAACTCAGCTCCTAGTGGAGGAAGCACTCCATTAACAAGAATG[C>A]CTCTCAGCGTGATGCTGGTGGTCAGTTCTGAGGCTAGCACCCTTTCAACAACTCCTGCTG-3'
Protein context (NP_001035194.1, residues 271-291): SGGSTPLTRM[Pro281Thr]LSVMLVVSSE